The following is an entry in ClinVar:

ClinVar aggregate classification (germline): Uncertain significance (1 of 4 stars; one submission).

Conditions:
Primary ciliary dyskinesia. Also called: Ciliary dyskinesia. Identifiers: Orphanet 244, MedGen C0008780, MONDO:0016575, HP:0012265.

Allele frequency attached by ClinVar (database versions not stated): gnomAD 0.00001; TOPMed 0.00002; gnomAD exomes 0.00006; ExAC 0.00014.
gnomAD v4.1: 84 of 1,612,228 alleles (0.0052%); highest among the groups gnomAD compares: South Asian, 0.088%; 3 homozygotes.

Submission:

Labcorp Genetics (formerly Invitae), Labcorp
Classification: Uncertain significance for Primary ciliary dyskinesia. Last evaluated: 2022-06-11. Review status: criteria provided, single submitter. Criteria: Invitae Variant Classification Sherloc (09022015). Collection method: clinical testing. Allele origin: germline.
Comment: In summary, the available evidence is currently insufficient to determine the role of this variant in disease. Therefore, it has been classified as a Variant of Uncertain Significance. Algorithms developed to predict the effect of missense changes on protein structure and function are either unavailable or do not agree on the potential impact of this missense change (SIFT: "Deleterious"; PolyPhen-2: "Probably Damaging"; Align-GVGD: "Class C0"). This variant has not been reported in the literature in individuals affected with DNAAF2-related conditions. This variant is present in population databases (rs778838837, gnomAD 0.09%), including at least one homozygous and/or hemizygous individual. This sequence change replaces lysine, which is basic and polar, with glutamic acid, which is acidic and polar, at codon 305 of the DNAAF2 protein (p.Lys305Glu).

NM_018139.3(DNAAF2):c.913A>G (p.Lys305Glu)

Gene: DNAAF2 (dynein axonemal assembly factor 2; minus strand). Cytogenetic location: 14q21.3.
Variant type: single nucleotide variant.
Coding change: c.913A>G on transcript NM_018139.3 (MANE Select); coding-DNA position 913, A replaced by G.
Protein change: p.Lys305Glu; replaces lysine 305 with glutamic acid.
Molecular consequence: missense variant.
Genome position (GRCh38, 1-based): chr14:49,634,237, T>C on the plus strand (A>G on the coding strand, the complement: DNAAF2 is on the minus strand). VCF-style: chr14-49634237-T-C. GRCh37 (hg19) VCF-style: chr14-50100955-T-C.
Other names: c.913A>G, p.Lys305Glu (NM_001083908.2); short protein forms K305E.
Identifiers: ClinVar variation 2172939 (VCV002172939.4), dbSNP rs778838837, ClinGen allele CA7172997.
Genomic context (GRCh38, chr14:49,634,237, plus strand): 5'-GGTACGGGAGCGAGAGCCGCAGCCGGTAGTCAGGTTTCCTCGAGTCGAGGCACAGCAGCT[T>C]TCTCGTTACCTCCAGCGCCGCCTGCTCGGCCGAGCGCAACAGCGGCAGTTCGATGGTGAT-3'
Protein context (NP_060609.2, residues 295-315): AEQAALEVTR[Lys305Glu]LLCLDSRKPD